The following is an entry in ClinVar:

ClinVar aggregate classification (germline): Uncertain significance (1 of 4 stars; one submission).

Conditions:
Leigh syndrome (NULS). Also called: Leigh's necrotizing encephalopathy; Leigh's disease; Leigh Syndrome (mtDNA deletion); Leigh Disease; Subacute necrotizing encephalopathy; Necrotizing encephalopathy infantile subacute of Leigh. Identifiers: Orphanet 506, MedGen C2931891, MONDO:0009723, OMIM 256000.

Submission:

Wong Mito Lab, Molecular and Human Genetics, Baylor College of Medicine
Classification: Uncertain significance for Leigh syndrome. Last evaluated: 2019-10-17. Review status: criteria provided, single submitter. Criteria: Modified ACMG Guidelines (Unpublished). Collection method: clinical testing. Allele origin: germline.
Comment: The NC_012920.1:m.9294G>A (YP_003024032.1:p.Gly30Ser) variant in MTCO3 gene is interpretated to be a Uncertain Significance variant based on the modified ACMG guidelines (unpublished). This variant meets the following evidence codes: PP6, PP7

NC_012920.1(MT-CO3):m.9294G>A

Gene: MT-CO3 (mitochondrially encoded cytochrome c oxidase III; plus strand).
Variant type: single nucleotide variant.
Genome position: chrM-9294-G-A.
Identifiers: ClinVar variation 693140 (VCV000693140.1), dbSNP rs1603222222, ClinGen allele CA414802620.
Genomic context (GRCh38, chrMT:9,294, plus strand): 5'-ATAGTAAAACCCAGCCCATGACCCCTAACAGGGGCCCTCTCAGCCCTCCTAATGACCTCC[G>A]GCCTAGCCATGTGATTTCACTTCCACTCCATAACGCTCCTCATACTAGGCCTACTAACCA-3'